The following is an entry in ClinVar:

ClinVar aggregate classification (germline): Uncertain significance. Review status: criteria provided, multiple submitters, no conflicts (2 of 4 stars). 2 submissions from 2 submitters: Uncertain significance (2). Last evaluated 2025-09-26.

Conditions:
Inborn genetic diseases. Identifiers: MedGen C0950123, MeSH D030342.
Retinitis pigmentosa 20 (RP20). Identifiers: Orphanet 791, MedGen C3151086, MONDO:0013425, OMIM 613794.
Leber congenital amaurosis 2 (LCA2). Also called: Autosomal Recessive RPE65-Related Retinal Degeneration; AMAUROSIS CONGENITA OF LEBER II. Identifiers: Orphanet 65, MedGen C1859844, MONDO:0008765, OMIM 204100. Disease mechanism: loss of function.

Allele frequency attached by ClinVar (database versions not stated): gnomAD exomes 0.00001; ExAC 0.00002; gnomAD 0.00002; TOPMed 0.00002.
gnomAD v4.1: 18 of 1,613,832 alleles (0.0011%); highest among the groups gnomAD compares: Non-Finnish European, 0.0015%; no homozygotes.

Submissions (2):

Ambry Genetics
Classification: Uncertain significance for Inborn genetic diseases. Last evaluated: 2025-09-26. Review status: criteria provided, single submitter. Criteria: Ambry Variant Classification Scheme 2023. Collection method: clinical testing. Allele origin: germline.

Labcorp Genetics (formerly Invitae), Labcorp
Classification: Uncertain significance for Leber congenital amaurosis 2; Retinitis pigmentosa 20. Last evaluated: 2022-07-04. Review status: criteria provided, single submitter. Criteria: Invitae Variant Classification Sherloc (09022015). Collection method: clinical testing. Allele origin: germline.
Comment: This sequence change replaces leucine, which is neutral and non-polar, with methionine, which is neutral and non-polar, at codon 395 of the RPE65 protein (p.Leu395Met). This variant is present in population databases (rs760264027, gnomAD 0.007%). This variant has not been reported in the literature in individuals affected with RPE65-related conditions. Algorithms developed to predict the effect of missense changes on protein structure and function are either unavailable or do not agree on the potential impact of this missense change (SIFT: "Tolerated"; PolyPhen-2: "Possibly Damaging"; Align-GVGD: "Class C0"). In summary, the available evidence is currently insufficient to determine the role of this variant in disease. Therefore, it has been classified as a Variant of Uncertain Significance.

NM_000329.3(RPE65):c.1183C>A (p.Leu395Met)

Gene: RPE65 (retinoid isomerohydrolase RPE65; minus strand). Cytogenetic location: 1p31.3.
Variant type: single nucleotide variant.
Coding change: c.1183C>A on transcript NM_000329.3 (MANE Select); coding-DNA position 1183, C replaced by A.
Protein change: p.Leu395Met; replaces leucine 395 with methionine.
Molecular consequence: missense variant.
Genome position (GRCh38, 1-based): chr1:68,431,531, G>T on the plus strand (C>A on the coding strand, the complement: RPE65 is on the minus strand). VCF-style: chr1-68431531-G-T. GRCh37 (hg19) VCF-style: chr1-68897214-G-T.
Other names: c.1075C>A, p.Leu359Met (NM_001406853.1); c.907C>A, p.Leu303Met (NM_001406856.1, NM_001406857.1); c.1183C>A (NM_000329.2); short protein forms L359M, L395M, L303M.
Identifiers: ClinVar variation 2069054 (VCV002069054.2), dbSNP rs760264027, ClinGen allele CA902258.
Genomic context (GRCh38, chr1:68,431,531, plus strand): 5'-CTTGACGAGGCCCTGAAAAGAGAACTTCAGGCTCCAGCCAGATAGTCTCGTCACTGCACA[G>T]AATTGCAGTGGCAGTTGTATTGGGGAGCGTGACTAAATTCTTGCCTGTGTCAGCCTAGGA-3'
Protein context (NP_000320.1, residues 385-405): TLPNTTATAI[Leu395Met]CSDETIWLEP